The following is an entry in ClinVar:

NM_002471.4(MYH6):c.4136C>T (p.Thr1379Met)

Gene: MYH6 (myosin heavy chain 6; minus strand). Cytogenetic location: 14q11.2.
Variant type: single nucleotide variant.
Coding change: c.4136C>T on transcript NM_002471.4 (MANE Select); coding-DNA position 4136, C replaced by T.
Protein change: p.Thr1379Met; replaces threonine 1379 with methionine.
Molecular consequence: missense variant.
Genome position (GRCh38, 1-based): chr14:23,388,898, G>A on the plus strand (C>T on the coding strand, the complement: MYH6 is on the minus strand). VCF-style: chr14-23388898-G-A. GRCh37 (hg19) VCF-style: chr14-23858107-G-A.
Other names: short protein forms T1379M.
Identifiers: ClinVar variation 180425 (VCV000180425.67), dbSNP rs145611185, ClinGen allele CA346486.

ClinVar aggregate classification (germline): Conflicting classifications of pathogenicity. Review status: criteria provided, conflicting classifications (1 of 4 stars). 17 submissions from 17 submitters: Uncertain significance (1); Benign (3); Likely benign (8). 5 of the submissions do not count toward it. Last evaluated 2026-01-27.

Conditions:
MYH6-related disorder. Also called: MYH6-related condition; MYH6-Related Disorders.
Cardiovascular phenotype. Identifiers: MedGen CN230736.
Cardiomyopathy (CMYO). Also called: Cardiomyopathies. Identifiers: Orphanet 167848, MedGen C0878544, MONDO:0004994, HP:0001638. Inheritance: Various modes of inheritance.
Hypertrophic cardiomyopathy 14. Identifiers: MedGen C2750467, MONDO:0013197, OMIM 613251.

Allele frequency attached by ClinVar (database versions not stated): gnomAD 0.00033 and 0.00036; TOPMed 0.00049; ESP Exome Variant Server 0.00092.
gnomAD v4.1: 1,382 of 1,613,670 alleles (0.086%); highest among the groups gnomAD compares: Non-Finnish European, 0.11%; 2 homozygotes.

Submissions (17):

Labcorp Genetics (formerly Invitae), Labcorp
Classification: Likely benign for Hypertrophic cardiomyopathy 14. Last evaluated: 2026-01-27. Review status: criteria provided, single submitter. Criteria: Invitae Variant Classification Sherloc (09022015). Collection method: clinical testing. Allele origin: germline.

PreventionGenetics, part of Exact Sciences
Classification: Likely benign for MYH6-related condition. Last evaluated: 2025-07-08. Review status: criteria provided, single submitter. Criteria: ACMG Guidelines, 2015. Collection method: clinical testing. Allele origin: germline.
Comment: This variant is classified as likely benign based on ACMG/AMP sequence variant interpretation guidelines (Richards et al. 2015 PMID: 25741868, with internal and published modifications).

Blueprint Genetics
Classification: Likely benign. Last evaluated: 2024-11-21. Review status: criteria provided, single submitter. Criteria: ACMG Guidelines, 2015. Collection method: clinical testing. Allele origin: germline.

CeGaT Center for Human Genetics Tuebingen
Classification: Likely benign. Last evaluated: 2024-10-01. Review status: criteria provided, single submitter. Criteria: CeGaT Center For Human Genetics Tuebingen Variant Classification Criteria Version 2. Collection method: clinical testing. Allele origin: germline. Affected: yes. Observed: 2 variant alleles.
Comment: MYH6: PP3, BS2

Mendelics
Classification: Benign for Hypertrophic cardiomyopathy 14. Last evaluated: 2023-08-22. Review status: criteria provided, single submitter. Criteria: Mendelics Assertion Criteria 2019. Collection method: clinical testing. Allele origin: germline.

ARUP Laboratories, Molecular Genetics and Genomics, ARUP Laboratories
Classification: Likely benign. Last evaluated: 2020-11-18. Review status: criteria provided, single submitter. Criteria: ARUP Molecular Germline Variant Investigation Process 2021. Collection method: clinical testing. Allele origin: germline.

GeneDx
Classification: Likely benign. Last evaluated: 2020-09-01. Review status: criteria provided, single submitter. Criteria: GeneDx Variant Classification Process June 2021. Collection method: clinical testing. Allele origin: germline. Affected: yes.
Comment: Observed in a family with CHD; however, a nonsense variant in the TBX5 gene was also identified and was found to segregate with disease in this family, while the T1379M variant did not segregate with disease (Blue et al., 2014); Identified in an individual with Brugada syndrome (Hertz et al., 2016); Published in association with autosomal recessive pattern of inheritance in the literature after identifying the T1379M variant in an individual with hypoplastic left heart syndrome who harbored another variant on the opposite MYH6 allele (in trans) (Theis et al. 2015); In silico analysis, which includes protein predictors and evolutionary conservation, supports a deleterious effect; Reported in ClinVar with conflicting classfications (ClinVar Variant ID 180425; Landrum et al., 2016); This variant is associated with the following publications: (PMID: 32880476, 32277046, 30847666, 27789736, 27760138, 26085007, 25500235, 20656787, 25467552)

Ambry Genetics
Classification: Likely benign for Cardiovascular phenotype. Last evaluated: 2019-09-16. Review status: criteria provided, single submitter. Criteria: Ambry Variant Classification Scheme 2023. Collection method: clinical testing. Allele origin: germline.

Women's Health and Genetics/Laboratory Corporation of America, LabCorp
Classification: Benign. Last evaluated: 2019-01-28. Review status: criteria provided, single submitter. Criteria: LabCorp Variant Classification Summary - May 2015. Collection method: clinical testing. Allele origin: germline.
Comment: Variant summary: MYH6 c.4136C>T (p.Thr1379Met) results in a non-conservative amino acid change located in the Myosin tail domain of the encoded protein sequence. Five of five in-silico tools predict a damaging effect of the variant on protein function. The variant allele was found at a frequency of 0.00056 in 277218 control chromosomes, predominantly at a frequency of 0.0011 within the Non-Finnish European subpopulation in the gnomAD database. The observed variant frequency within Non-Finnish European control individuals in the gnomAD database is approximately 44 fold of the estimated maximal expected allele frequency for a pathogenic variant in MYH6 causing Cardiomyopathy phenotype (2.5e-05), strongly suggesting that the variant is a benign polymorphism found primarily in populations of Non-Finnish European origin. c.4136C>T has been reported in the literature in affected individuals (Preuss_2016, Tomita-Mitchell_2016, Hertz_2015, Jia_2015, Theis_2015, Blue_2014, Posch_2011) without strong evidence of causality while, it was documented to not co-segregate with disease (Theis_2015, Blue_2014). Furthermore, it was identified in at-least two families with congenital heart defects where an alternate molecular basis of disease, namely segregating mutations in the TBX5 gene, causative of Holt-Oram syndrome were identified (Blue_2014, Jia_2015). Three ClinVar submissions from clinical diagnostic laboratories (evaluation after 2014) cite the variant as likely benign (2x) and once as uncertain significance. Based on the evidence outlined above, the variant was classified as benign.

CHEO Genetics Diagnostic Laboratory, Children's Hospital of Eastern Ontario
Classification: Benign for Cardiomyopathy. Last evaluated: 2017-12-01. Review status: criteria provided, single submitter. Criteria: ACMG Guidelines, 2015. Collection method: clinical testing. Allele origin: germline.

Molecular Diagnostic Laboratory for Inherited Cardiovascular Disease, Montreal Heart Institute
Classification: Likely benign. Last evaluated: 2016-11-25. Review status: criteria provided, single submitter. Criteria: ACMG Guidelines, 2015. Collection method: clinical testing. Allele origin: germline. Affected: yes.

Laboratory for Molecular Medicine, Mass General Brigham Personalized Medicine
Classification: Uncertain significance. Last evaluated: 2015-08-06. Review status: criteria provided, single submitter. Criteria: LMM Criteria. Collection method: clinical testing. Allele origin: germline. Observed: 1 variant allele.
Comment: The p.Thr1379Met variant in MYH6 has not been previously reported in individuals with cardiomyopathy, but has been identified in 0.1% (72/66714) of European chr omosomes by the Exome Aggregation Consortium (ExAC, rg; dbSNP rs145611185). Computational prediction tools and conservation analysis suggest that the p.Thr1379Met variant may impact the protein, though this infor mation is not predictive enough to determine pathogenicity. In summary, the clin ical significance of the p.Thr1379Met variant is uncertain.

Clinical Genetics DNA and cytogenetics Diagnostics Lab, Erasmus MC, Erasmus Medical Center
Classification: Likely benign. Review status: no assertion criteria provided. Collection method: clinical testing. Allele origin: germline. Affected: yes. Study: VKGL Data-share Consensus. Not counted in ClinVar's aggregate classification.

Clinical Genetics, Academic Medical Center
Classification: Likely benign. Review status: no assertion criteria provided. Collection method: clinical testing. Allele origin: germline. Affected: yes. Study: VKGL Data-share Consensus. Not counted in ClinVar's aggregate classification.

Diagnostic Laboratory, Department of Genetics, University Medical Center Groningen
Classification: Likely benign. Review status: no assertion criteria provided. Collection method: clinical testing. Allele origin: germline. Affected: yes. Study: VKGL Data-share Consensus. Not counted in ClinVar's aggregate classification.

Genome Diagnostics Laboratory, University Medical Center Utrecht
Classification: Likely benign. Review status: no assertion criteria provided. Collection method: clinical testing. Allele origin: germline. Affected: yes. Study: VKGL Data-share Consensus. Not counted in ClinVar's aggregate classification.

Joint Genome Diagnostic Labs from Nijmegen and Maastricht, Radboudumc and MUMC+
Classification: Likely benign. Review status: no assertion criteria provided. Collection method: clinical testing. Allele origin: germline. Affected: yes. Study: VKGL Data-share Consensus. Not counted in ClinVar's aggregate classification.

Literature cited by the submitters: PubMed 20656787 (cited by Ambry Genetics and Women's Health and Genetics/Laboratory Corporation of America, LabCorp); PubMed 22194935 (cited by Ambry Genetics and Women's Health and Genetics/Laboratory Corporation of America, LabCorp); PubMed 25351510 (cited by Ambry Genetics); PubMed 25467552 (cited by Ambry Genetics and Women's Health and Genetics/Laboratory Corporation of America, LabCorp); PubMed 25500235 (cited by Ambry Genetics and Women's Health and Genetics/Laboratory Corporation of America, LabCorp); PubMed 26085007 (cited by 3 submitters); PubMed 27760138 (cited by 3 submitters); PubMed 27789736 (cited by Ambry Genetics and Women's Health and Genetics/Laboratory Corporation of America, LabCorp); PubMed 25931334 (cited by Women's Health and Genetics/Laboratory Corporation of America, LabCorp).